The following is an entry in ClinVar:

ClinVar aggregate classification (germline): Uncertain significance (1 of 4 stars; one submission).

gnomAD v4.1: 4 of 1,134,848 alleles (0.00035%); highest among the groups gnomAD compares: South Asian, 0.0019%; no homozygotes.

Submission:

Labcorp Genetics (formerly Invitae), Labcorp
Classification: Uncertain significance. Last evaluated: 2024-10-26. Review status: criteria provided, single submitter. Criteria: Invitae Variant Classification Sherloc (09022015). Collection method: clinical testing. Allele origin: germline.
Comment: This sequence change replaces aspartic acid, which is acidic and polar, with glycine, which is neutral and non-polar, at codon 824 of the POLA1 protein (p.Asp824Gly). This variant is not present in population databases (gnomAD no frequency). This variant has not been reported in the literature in individuals affected with POLA1-related conditions. Invitae Evidence Modeling of protein sequence and biophysical properties (such as structural, functional, and spatial information, amino acid conservation, physicochemical variation, residue mobility, and thermodynamic stability) indicates that this missense variant is not expected to disrupt POLA1 protein function with a negative predictive value of 80%. In summary, the available evidence is currently insufficient to determine the role of this variant in disease. Therefore, it has been classified as a Variant of Uncertain Significance.

NM_001330360.2(POLA1):c.2489A>G (p.Asp830Gly)

Gene: POLA1 (DNA polymerase alpha 1, catalytic subunit; plus strand). Cytogenetic location: Xp22.11.
Variant type: single nucleotide variant.
Coding change: c.2489A>G on transcript NM_001330360.2 (MANE Select); coding-DNA position 2489, A replaced by G.
Protein change: p.Asp830Gly; replaces aspartic acid 830 with glycine.
Molecular consequence: missense variant. On other transcripts: non-coding transcript variant (2).
Genome position (GRCh38, 1-based): chrX:24,743,252, A>G. VCF-style: chrX-24743252-A-G. GRCh37 (hg19) VCF-style: chrX-24761369-A-G.
Other names: c.2414A>G, p.Asp805Gly (NM_001378303.1); c.2471A>G, p.Asp824Gly (NM_016937.4); short protein forms D824G, D830G, D805G.
Identifiers: ClinVar variation 3674238 (VCV003674238.2).